The following is an entry in ClinVar:

ClinVar aggregate classification (germline): Uncertain significance. Review status: reviewed by expert panel (3 of 4 stars). 2 submissions from 2 submitters: Uncertain significance (1). 1 of the submissions does not count toward it. Last evaluated 2025-10-08.

Conditions:
Open-angle glaucoma. Identifiers: MedGen C0017612, MONDO:0005338, HP:0012108.
Glaucoma 1, open angle, A (GLC1A). Also called: Glaucoma, Dominant (Juvenile Onset). Identifiers: Orphanet 98977, MedGen C1842028, MONDO:0007664, OMIM 137750.

Submissions (2):

ClinGen Glaucoma Variant Curation Expert Panel
Classification: Uncertain significance for Open-angle glaucoma. Last evaluated: 2025-10-08. Review status: reviewed by expert panel. Criteria: ClinGen Glaucoma ACMG Specifications V2.0.0 Approved. Collection method: curation. Allele origin: germline. Inheritance: Autosomal dominant inheritance.
Comment: The c.844del variant in MYOC is a deletion of a single nucleotide, predicted to encode a frameshift with consequent premature termination of the protein at codon 64 of the frameshift, or amino acid 345 (p.Gln282ArgfsTer64). This variant is predicted to involve ≥ 10% of the protein within the conserved olfactomedin domain, meeting PM4. PVS1 did not apply, as the disease mechanism for MYOC variants associated with primary open angle glaucoma is not loss-of-function. The highest minor allele frequency of this variant was in the African/African American genetic ancestry group of gnomAD (v4.1.0) = 0.00004007 (3 alleles out of 74,876), which met the ≤ 0.0001 threshold set for PM2_Supporting in a genetic ancestry group of at least 10,000 alleles. There was no computational or functional evidence predicting a damaging or benign impact of this variant on MYOC function. Only 1 proband with primary open angle glaucoma had been reported (E Souzeau pers. comm.), not meeting the ≥ 2 probands threshold required to meet PS4_Supporting. Only 1 segregation had been reported for primary open angle glaucoma (E Souzeau pers. comm.), not meeting the ≥ 3 segregations required for PP1. In summary, this variant met the criteria to receive a score of 3 and to be classified as a variant of uncertain significance (uncertain significance classification range -1 to 5, adapted from PMID: 32720330) for primary open angle glaucoma based on the ACMG/AMP criteria met, as specified by the ClinGen Glaucoma VCEP (v2.0.0, 5 Dec 2024): PM4, PM2_Supporting.

Genetics and Molecular Pathology, SA Pathology
Classification: Uncertain significance for Glaucoma 1, open angle, A. Last evaluated: 2021-05-31. Review status: criteria provided, single submitter. Criteria: ACMG Guidelines, 2015. Collection method: clinical testing. Allele origin: germline. Affected: yes. Not counted in ClinVar's aggregate classification.

NM_000261.2(MYOC):c.844del (p.Gln282fs)

Gene: MYOC (myocilin; minus strand). Cytogenetic location: 1q24.3.
Variant type: Deletion.
Coding change: c.844del on transcript NM_000261.2 (MANE Select); coding-DNA position 844, one base deleted (C; older notation c.844delC).
Protein change: p.Gln282fs; shifts the reading frame from glutamine 282.
Molecular consequence: frameshift variant.
Genome position (GRCh38, 1-based): chr1:171,636,596, G deleted on the plus strand (C on the coding strand, the reverse complement: MYOC is on the minus strand); the first of 3 consecutive G bases (chr1:171,636,596-171,636,598); deleting any one gives the same sequence. VCF-style (leftmost placement, unchanged base first): chr1-171636595-TG-T. GRCh37 (hg19) VCF-style: chr1-171605735-TG-T.
Other names: NM_000261.2:c.844del; c.844delC (NM_000261.2); short protein forms Q282fs.
Identifiers: ClinVar variation 1698736 (VCV001698736.5), dbSNP rs774268708, ClinGen allele CA1244142.